The following is an entry in ClinVar:

NM_002693.3(POLG):c.1421T>G (p.Leu474Arg)

Gene: POLG (DNA polymerase gamma, catalytic subunit; minus strand). Cytogenetic location: 15q26.1.
Variant type: single nucleotide variant.
Coding change: c.1421T>G on transcript NM_002693.3 (MANE Select); coding-DNA position 1421, T replaced by G.
Protein change: p.Leu474Arg; replaces leucine 474 with arginine.
Molecular consequence: missense variant.
Genome position (GRCh38, 1-based): chr15:89,327,179, A>C on the plus strand (T>G on the coding strand, the complement: POLG is on the minus strand). VCF-style: chr15-89327179-A-C. GRCh37 (hg19) VCF-style: chr15-89870410-A-C.
Other names: c.1421T>G, p.Leu474Arg (NM_001126131.2); short protein forms L474R.
Identifiers: ClinVar variation 3710356 (VCV003710356.2).

ClinVar aggregate classification (germline): Uncertain significance (1 of 4 stars; one submission).

Conditions:
Progressive sclerosing poliodystrophy (MTDPS4A). Also called: ALPERS PROGRESSIVE INFANTILE POLIODYSTROPHY; NEURONAL DEGENERATION OF CHILDHOOD WITH LIVER DISEASE, PROGRESSIVE; Alpers Syndrome; ALPERS DIFFUSE DEGENERATION OF CEREBRAL GRAY MATTER WITH HEPATIC CIRRHOSIS; Alpers-Huttenlocher Syndrome; Mitochondrial DNA depletion syndrome 4A (Alpers type). Identifiers: Orphanet 726, MedGen C0205710, MONDO:0008758, OMIM 203700.

Submission:

Labcorp Genetics (formerly Invitae), Labcorp
Classification: Uncertain significance for Progressive sclerosing poliodystrophy. Last evaluated: 2024-09-11. Review status: criteria provided, single submitter. Criteria: Invitae Variant Classification Sherloc (09022015). Collection method: clinical testing. Allele origin: germline.
Comment: This sequence change replaces leucine, which is neutral and non-polar, with arginine, which is basic and polar, at codon 474 of the POLG protein (p.Leu474Arg). This variant is not present in population databases (gnomAD no frequency). This variant has not been reported in the literature in individuals affected with POLG-related conditions. Invitae Evidence Modeling of protein sequence and biophysical properties (such as structural, functional, and spatial information, amino acid conservation, physicochemical variation, residue mobility, and thermodynamic stability) indicates that this missense variant is expected to disrupt POLG protein function with a positive predictive value of 95%. In summary, the available evidence is currently insufficient to determine the role of this variant in disease. Therefore, it has been classified as a Variant of Uncertain Significance.